The following is an entry in ClinVar:

ClinVar aggregate classification (germline): Uncertain significance. Review status: criteria provided, multiple submitters, no conflicts (2 of 4 stars). 2 submissions from 2 submitters: Uncertain significance (2). Last evaluated 2021-08-31.

Conditions:
Joubert syndrome. Also called: JOUBERT-BOLTSHAUSER SYNDROME; Familial aplasia of the vermis. Identifiers: Orphanet 475, MedGen C5979921, MONDO:0018772.

Allele frequency attached by ClinVar (database versions not stated): gnomAD exomes 0.00001; TOPMed 0.00001.
gnomAD v4.1: 8 of 1,546,756 alleles (0.00052%); highest among the groups gnomAD compares: Non-Finnish European, 0.0007%; no homozygotes.

Submissions (2):

Labcorp Genetics (formerly Invitae), Labcorp
Classification: Uncertain significance for Joubert syndrome. Last evaluated: 2021-08-31. Review status: criteria provided, single submitter. Criteria: Invitae Variant Classification Sherloc (09022015). Collection method: clinical testing. Allele origin: germline.
Comment: This sequence change replaces serine with phenylalanine at codon 643 of the AHI1 protein (p.Ser643Phe). The serine residue is highly conserved and there is a large physicochemical difference between serine and phenylalanine. The frequency data for this variant in the population databases is considered unreliable, as metrics indicate poor data quality at this position in the ExAC database. This variant has not been reported in the literature in individuals affected with AHI1-related conditions. Advanced modeling of protein sequence and biophysical properties (such as structural, functional, and spatial information, amino acid conservation, physicochemical variation, residue mobility, and thermodynamic stability) performed at Invitae indicates that this missense variant is expected to disrupt AHI1 protein function. In summary, the available evidence is currently insufficient to determine the role of this variant in disease. Therefore, it has been classified as a Variant of Uncertain Significance.

Blueprint Genetics
Classification: Uncertain significance. Last evaluated: 2019-08-30. Review status: criteria provided, single submitter. Criteria: ACMG Guidelines, 2015. Collection method: clinical testing. Allele origin: germline.

NM_001134831.2(AHI1):c.1928C>T (p.Ser643Phe)

Gene: AHI1 (Abelson helper integration site 1; minus strand). Cytogenetic location: 6q23.3.
Variant type: single nucleotide variant.
Coding change: c.1928C>T on transcript NM_001134831.2 (MANE Select); coding-DNA position 1928, C replaced by T.
Protein change: p.Ser643Phe; replaces serine 643 with phenylalanine.
Molecular consequence: missense variant.
Genome position (GRCh38, 1-based): chr6:135,438,483, G>A on the plus strand (C>T on the coding strand, the complement: AHI1 is on the minus strand). VCF-style: chr6-135438483-G-A. GRCh37 (hg19) VCF-style: chr6-135759621-G-A.
Other names: c.1928C>T, p.Ser643Phe (NM_001134830.2, NM_001134832.2, NM_001350503.2 and 2 more transcripts); short protein forms S643F.
Identifiers: ClinVar variation 1476531 (VCV001476531.6), dbSNP rs761238509, ClinGen allele CA4012474.